The following is an entry in ClinVar:

ClinVar aggregate classification (germline): Uncertain significance (1 of 4 stars; one submission).

Submission:

GeneDx
Classification: Uncertain significance. Last evaluated: 2019-08-12. Review status: criteria provided, single submitter. Criteria: GeneDx Variant Classification Process June 2021. Collection method: clinical testing. Allele origin: germline. Affected: yes.
Comment: Not observed in large population cohorts (Lek et al., 2016); In silico analysis, which includes protein predictors and evolutionary conservation, supports a deleterious effect; Has not been previously published as pathogenic or benign to our knowledge

NM_152384.3(BBS5):c.149T>C (p.Leu50Pro)

Gene: BBS5 (Bardet-Biedl syndrome 5; plus strand). Cytogenetic location: 2q31.1.
Variant type: single nucleotide variant.
Coding change: c.149T>C on transcript NM_152384.3 (MANE Select); coding-DNA position 149, T replaced by C.
Protein change: p.Leu50Pro; replaces leucine 50 with proline.
Molecular consequence: missense variant.
Genome position (GRCh38, 1-based): chr2:169,487,075, T>C. VCF-style: chr2-169487075-T-C. GRCh37 (hg19) VCF-style: chr2-170343585-T-C.
Other names: short protein forms L50P.
Identifiers: ClinVar variation 1307386 (VCV001307386.2), dbSNP rs1683498718, ClinGen allele CA349160998.